The following is an entry in ClinVar:

ClinVar aggregate classification (germline): Likely benign (0 of 4 stars; one submission).

Conditions:
DAAM2-related disorder. Also called: DAAM2-related condition.

Allele frequency attached by ClinVar (database versions not stated): gnomAD 0.00029; TOPMed 0.00037; ExAC 0.00073; 1000 Genomes Project 0.00100; 1000 Genomes Project 30x 0.00109.
gnomAD v4.1: 295 of 1,492,272 alleles (0.02%); highest among the groups gnomAD compares: South Asian, 0.28%; 2 homozygotes.

Submission:

PreventionGenetics, part of Exact Sciences
Classification: Likely benign for DAAM2-related condition. Last evaluated: 2023-07-07. Review status: no assertion criteria provided. Collection method: clinical testing. Allele origin: germline.
Comment: This variant is classified as likely benign based on ACMG/AMP sequence variant interpretation guidelines (Richards et al. 2015 PMID: 25741868, with internal and published modifications).

NM_001201427.2(DAAM2):c.132C>T (p.Asn44=)

Gene: DAAM2 (dishevelled associated activator of morphogenesis 2; plus strand). Cytogenetic location: 6p21.2.
Variant type: single nucleotide variant.
Coding change: c.132C>T on transcript NM_001201427.2 (MANE Select); coding-DNA position 132, C replaced by T.
Protein change: p.Asn44=; no amino-acid change (asparagine 44 retained).
Molecular consequence: synonymous variant.
Genome position (GRCh38, 1-based): chr6:39,856,434, C>T. VCF-style: chr6-39856434-C-T. GRCh37 (hg19) VCF-style: chr6-39824210-C-T.
Other names: c.132C>T, p.Asn44= (NM_015345.4).
Identifiers: ClinVar variation 3032413 (VCV003032413.2), dbSNP rs535365178, ClinGen allele CA3794612.